The following is an entry in ClinVar:

ClinVar aggregate classification (germline): Uncertain significance (1 of 4 stars; one submission).

Conditions:
Pseudohypoaldosteronism type 2C (PHA2C). Also called: Pseudohypoaldosteronism Type IIC. Identifiers: Orphanet 757, Orphanet 88940, MedGen C1840391, MONDO:0013778, OMIM 614492.
Neuropathy, hereditary sensory and autonomic, type 2A (HSAN2A). Also called: ACROOSTEOLYSIS, GIACCAI TYPE; ACROOSTEOLYSIS, NEUROGENIC; MORVAN DISEASE; NEUROPATHY, CONGENITAL SENSORY; NEUROPATHY, HEREDITARY SENSORY RADICULAR, AUTOSOMAL RECESSIVE; NEUROPATHY, HEREDITARY SENSORY, TYPE IIA. Identifiers: Orphanet 970, MedGen C2752089, MONDO:0024309, OMIM 201300.

Submission:

Labcorp Genetics (formerly Invitae), Labcorp
Classification: Uncertain significance for Neuropathy, hereditary sensory and autonomic, type 2A; Pseudohypoaldosteronism type 2C. Last evaluated: 2020-04-19. Review status: criteria provided, single submitter. Criteria: Invitae Variant Classification Sherloc (09022015). Collection method: clinical testing. Allele origin: germline.
Comment: This variant has not been reported in the literature in individuals with WNK1-related conditions. In summary, the available evidence is currently insufficient to determine the role of this variant in disease. Therefore, it has been classified as a Variant of Uncertain Significance. Algorithms developed to predict the effect of missense changes on protein structure and function are either unavailable or do not agree on the potential impact of this missense change (SIFT: "Not Available"; PolyPhen-2: "Not Available"; Align-GVGD: "Class C0"). The frequency data for this variant in the population databases is considered unreliable, as metrics indicate insufficient coverage at this position in the ExAC database. This sequence change replaces valine with glycine at codon 796 of the WNK1 protein (p.Val796Gly). The valine residue is weakly conserved and there is a moderate physicochemical difference between valine and glycine.

NM_213655.5(WNK1):c.2387T>G (p.Val796Gly)

Gene: WNK1 (WNK lysine deficient protein kinase 1; plus strand). Cytogenetic location: 12p13.33.
Variant type: single nucleotide variant.
Coding change: c.2387T>G on transcript NM_213655.5 (MANE Plus Clinical); coding-DNA position 2387, T replaced by G.
Protein change: p.Val796Gly; replaces valine 796 with glycine.
Molecular consequence: missense variant. On other transcripts: intron variant (3).
Genome position (GRCh38, 1-based): chr12:865,357, T>G. VCF-style: chr12-865357-T-G. GRCh37 (hg19) VCF-style: chr12-974523-T-G.
Other names: c.2140-2509T>G (NM_001184985.2); c.2139+3087T>G (NM_018979.4, NM_014823.3); short protein forms V796G.
Identifiers: ClinVar variation 1018415 (VCV001018415.8), dbSNP rs1951576991, ClinGen allele CA383337989.